The following is an entry in ClinVar:

ClinVar aggregate classification (germline): Pathogenic/Likely pathogenic. Review status: criteria provided, multiple submitters, no conflicts (2 of 4 stars). 2 submissions from 2 submitters: Pathogenic (1); Likely pathogenic (1). Last evaluated 2025-01-26.

Conditions:
Multiple endocrine neoplasia, type 1 (MEN1). Also called: MEN I; WERMER SYNDROME; Endocrine adenomatosis multiple; MEN 1; MEA I. Identifiers: Orphanet 652, MedGen C0025267, MeSH D018761, MONDO:0007540, OMIM 131100.

Submissions (2):

Labcorp Genetics (formerly Invitae), Labcorp
Classification: Likely pathogenic for Multiple endocrine neoplasia, type 1. Last evaluated: 2025-01-26. Review status: criteria provided, single submitter. Criteria: Invitae Variant Classification Sherloc (09022015). Collection method: clinical testing. Allele origin: germline.
Comment: This sequence change replaces alanine, which is neutral and non-polar, with valine, which is neutral and non-polar, at codon 242 of the MEN1 protein (p.Ala242Val). This variant is not present in population databases (gnomAD no frequency). This missense change has been observed in individuals with clinical features of multiple endocrine neoplasia type 1 (PMID: 9215689; internal data). ClinVar contains an entry for this variant (Variation ID: 1067621). Invitae Evidence Modeling of protein sequence and biophysical properties (such as structural, functional, and spatial information, amino acid conservation, physicochemical variation, residue mobility, and thermodynamic stability) indicates that this missense variant is expected to disrupt MEN1 protein function with a positive predictive value of 95%. Experimental studies have shown that this missense change affects MEN1 function (PMID: 9989505, 20404349, 20639902, 21264250, 22275377, 22327296, 23580576). In summary, the currently available evidence indicates that the variant is pathogenic, but additional data are needed to prove that conclusively. Therefore, this variant has been classified as Likely Pathogenic.

Laboratory of Molecular and Cytogenetics, Department of Anatomy, All India Institute of Medical Sciences (AIIMS)
Classification: Pathogenic for Multiple endocrine neoplasia, type 1. Last evaluated: 2023-04-10. Review status: criteria provided, single submitter. Criteria: ACMG Guidelines, 2015. Collection method: clinical testing. Allele origin: germline. Affected: yes. Observed: 1 variant allele.

Literature cited by the submitters: PubMed 9215689 (cited by Labcorp Genetics (formerly Invitae), Labcorp); PubMed 9989505 (cited by Labcorp Genetics (formerly Invitae), Labcorp); PubMed 20404349 (cited by Labcorp Genetics (formerly Invitae), Labcorp); PubMed 20639902 (cited by Labcorp Genetics (formerly Invitae), Labcorp); PubMed 21264250 (cited by Labcorp Genetics (formerly Invitae), Labcorp); PubMed 22275377 (cited by Labcorp Genetics (formerly Invitae), Labcorp); PubMed 22327296 (cited by Labcorp Genetics (formerly Invitae), Labcorp); PubMed 23580576 (cited by Labcorp Genetics (formerly Invitae), Labcorp).

NM_001370259.2(MEN1):c.725C>T (p.Ala242Val)

Gene: MEN1 (menin 1; minus strand). Cytogenetic location: 11q13.1.
Variant type: single nucleotide variant.
Coding change: c.725C>T on transcript NM_001370259.2 (MANE Select); coding-DNA position 725, C replaced by T.
Protein change: p.Ala242Val; replaces alanine 242 with valine.
Molecular consequence: missense variant.
Genome position (GRCh38, 1-based): chr11:64,807,610, G>A on the plus strand (C>T on the coding strand, the complement: MEN1 is on the minus strand). VCF-style: chr11-64807610-G-A. GRCh37 (hg19) VCF-style: chr11-64575082-G-A.
Other names: c.725C>T, p.Ala242Val (NM_001370251.2, NM_001370260.2, NM_001370261.2 and 1 more transcripts); c.740C>T, p.Ala247Val (NM_000244.4, NM_130800.3, NM_130801.3 and 3 more transcripts); c.620C>T, p.Ala207Val (NM_001370262.2, NM_001370263.2); short protein forms A207V, A242V, A247V.
Identifiers: ClinVar variation 1067621 (VCV001067621.11), dbSNP rs2136141530, ClinGen allele CA381184441.
Genomic context (GRCh38, chr11:64,807,610, plus strand): 5'-ACCTGCTGCAGCTGCAGAAGCTCCAGCGAGTCGGTGTGCAGGTCAATGGAAGGGTTGATG[G>A]CACACACCATGAACGCCACCTCCATCTTGCGGTCACAGCGCATGTATGATCCTTTCAGGT-3'
Protein context (NP_001357188.2, residues 232-252): RKMEVAFMVC[Ala242Val]INPSIDLHTD